The following is an entry in ClinVar:

ClinVar aggregate classification (germline): Uncertain significance (1 of 4 stars; one submission).

Allele frequency attached by ClinVar (database versions not stated): gnomAD exomes below 0.00001; ExAC 0.00001.
gnomAD v4.1: 2 of 1,613,658 alleles (0.00012%); highest among the groups gnomAD compares: South Asian, 0.0011%; no homozygotes.

Submission:

Seattle Children's Hospital Molecular Genetics Laboratory, Seattle Children's Hospital
Classification: Uncertain significance. Review status: criteria provided, single submitter. Criteria: ACMG Guidelines, 2015. Collection method: clinical testing. Allele origin: unknown. Inheritance: Autosomal dominant inheritance. Affected: yes.
Comment: This variant substitutes the arginine at position 1533 with cysteine. This is an evolutionarily conserved residue and in silico tools predict the p.Arg1533Cys alteration is damaging to protein function (DANN, SIFT, MutationTaster, CADD 31). This is a rare variant, observed in 1 of 249, 032 alleles in the Genome Aggregation Database (v2.1.1). This variant has not been reported in the medical literature or patient-specific databases.

NM_001170629.2(CHD8):c.4597C>T (p.Arg1533Cys)

Gene: CHD8 (chromodomain helicase DNA binding protein 8; minus strand). Cytogenetic location: 14q11.2.
Variant type: single nucleotide variant.
Coding change: c.4597C>T on transcript NM_001170629.2 (MANE Select); coding-DNA position 4597, C replaced by T.
Protein change: p.Arg1533Cys; replaces arginine 1533 with cysteine.
Molecular consequence: missense variant.
Genome position (GRCh38, 1-based): chr14:21,400,281, G>A on the plus strand (C>T on the coding strand, the complement: CHD8 is on the minus strand). VCF-style: chr14-21400281-G-A. GRCh37 (hg19) VCF-style: chr14-21868440-G-A.
Other names: c.3760C>T, p.Arg1254Cys (NM_020920.4); short protein forms R1254C, R1533C.
Identifiers: ClinVar variation 1344533 (VCV001344533.1), dbSNP rs773611059, ClinGen allele CA7091182.